The following is an entry in ClinVar:

ClinVar aggregate classification (germline): Uncertain significance (1 of 4 stars; one submission).

Submission:

GeneDx
Classification: Uncertain significance. Last evaluated: 2026-01-28. Review status: criteria provided, single submitter. Criteria: GeneDx Variant Classification Process June 2021. Collection method: clinical testing. Allele origin: germline.
Comment: Not observed at significant frequency in large population cohorts (gnomAD); In silico analysis supports that this missense variant has a deleterious effect on protein structure/function; Has not been previously published as pathogenic or benign to our knowledge

NM_003031.4(SIAH1):c.677A>C (p.Glu226Ala)

Genes: LONP2 (lon peptidase 2, peroxisomal; plus strand), SIAH1 (siah E3 ubiquitin protein ligase 1; minus strand). Cytogenetic location: 16q12.1.
Variant type: single nucleotide variant.
Coding change: c.677A>C on transcript NM_003031.4 (MANE Select); coding-DNA position 677, A replaced by C.
Protein change: p.Glu226Ala; replaces glutamic acid 226 with alanine.
Molecular consequence: missense variant. On other transcripts: 3 prime UTR variant (1).
Genome position (GRCh38, 1-based): chr16:48,361,752, T>G on the plus strand (A>C on the coding strand, the complement: SIAH1 is on the minus strand). VCF-style: chr16-48361752-T-G. GRCh37 (hg19) VCF-style: chr16-48395663-T-G.
Other names: c.770A>C, p.Glu257Ala (NM_001006610.2); c.*156T>G (NM_001348078.2); short protein forms E226A, E257A.
Identifiers: ClinVar variation 4975361 (VCV004975361.1).